The following is an entry in ClinVar:

NM_000203.5(IDUA):c.1402+1G>T

Gene: IDUA (alpha-L-iduronidase; plus strand). Cytogenetic location: 4p16.3.
Variant type: single nucleotide variant.
Coding change: c.1402+1G>T on transcript NM_000203.5 (MANE Select); the canonical splice donor site of the intron after coding-DNA position 1402, G replaced by T.
Molecular consequence: splice donor variant.
Genome position (GRCh38, 1-based): chr4:1,002,945, G>T. VCF-style: chr4-1002945-G-T. GRCh37 (hg19) VCF-style: chr4-996733-G-T.
Other names: c.1402+1G>T (NM_000203.4); c.1006+1G>T (NM_001363576.1).
Identifiers: ClinVar variation 1323099 (VCV001323099.17), dbSNP rs398123254, ClinGen allele CA355964387.

ClinVar aggregate classification (germline): Likely pathogenic. Review status: reviewed by expert panel (3 of 4 stars). 6 submissions from 6 submitters: Likely pathogenic (1). 5 of the submissions do not count toward it. Last evaluated 2024-12-06.

Conditions:
Mucopolysaccharidosis type 1. Also called: Mucopolysaccharidosis Type I; IDUA deficiency; MPS I. Identifiers: Orphanet 579, MedGen C0023786, MONDO:0001586.
Mucopolysaccharidosis, MPS-I-H/S. Also called: Mucopolysaccharidosis type IH/S. Identifiers: Orphanet 93476, MedGen C0086431, MONDO:0011759, OMIM 607015.

Allele frequency attached by ClinVar (database versions not stated): gnomAD exomes below 0.00001; gnomAD 0.00001.

Submissions (6):

ClinGen Lysosomal Storage Disorder Variant Curation Expert Panel
Classification: Likely pathogenic for Mucopolysaccharidosis type 1. Last evaluated: 2024-12-06. Review status: reviewed by expert panel. Criteria: ClinGen LSD ACMG Specifications IDUA V1.0.0. Collection method: curation. Allele origin: germline. Inheritance: Autosomal recessive inheritance.
Comment: The NM_000203.5: c.1402+1G>T variant in IDUA occurs within the canonical splice donor site of intron 9. It is predicted to cause skipping of biologically-relevant-exon 9 (there are 14 exons in IDUA), resulting in an in-frame deletion of amino acids 397-467 which represents >10% of the protein (PVS1_Strong). This variant has been identified in three patients with clinical features of severe MPS 1 including including cognitive delay, visual impairment, joint disease, hepatosplenomegaly, hernia, cardiac disease, and/or respiratory disease. Two of these patients also had documented IDUA deficiency within the affected range in leukocytes (PMID: 21480867, 27896125). An additional patient was identified by newborn screening with confirmatory deficient IDUA, elevated urine GAGs, and was treated with ERT and HSCT (PMID: 37516270) (PP4). Of these individuals, two were homozygous for the variant (PMID: 21480867, 27896125), and one individual was compound heterozygous for the variant and another variant in IDUA that has been classified as pathogenic by the ClinGen LD VCEP, c.1205G>A (p.Trp402Ter), phase unknown (ClinVar Variation ID: 11908) (PMID: 37516270). Another individual is compound heterozygous for the variant and p.Ala79Val; the allelic data for this individual will be used in the classification of p.Ala79Val and is not included here to avoid circular logic (PM3). The highest population minor allele frequency in gnomAD v4.1.0 is 0.00003924 (1/25482; 0 homozygotes) in the Admixed American population, which is lower than the ClinGen Lysosomal Diseases VCEP’s threshold for PM2_Supporting (<0.00025), meeting this criterion (PM2_Supporting). Additional variants at this splice donor site have been identified in individuals with features of MPS 1, including c.1402+1G>A (PMID: 27146977). There is a ClinVar entry for this variant (Variation ID: 1323099. In summary, this variant meets the criteria to be classified as likely pathogenic for MPS I based on the ACMG/AMP criteria applied, as specified by the ClinGen Lysosomal Storage Disorders Variant Curation Expert Panel (Specifications Version 1.0.0): PVS1_Strong, PP4, PM3, PM2_Supporting. (Classification approved by the ClinGen Lysosomal Diseases Variant Curation Expert Panel on December 6, 2024)

Natera, Inc.
Classification: Pathogenic for Mucopolysaccharidosis type I. Last evaluated: 2025-09-16. Review status: criteria provided, single submitter. Criteria: Natera Variant Classification Schema (03/2026). Collection method: clinical testing. Allele origin: germline. Not counted in ClinVar's aggregate classification.
Comment: The c.1402+1G>T variant in IDUA is a canonical splice donor site variant predicted to affect pre-mRNA splicing, which may result in an abnormal transcript and altered protein product. This variant is expected to result in nonsense mediated decay, truncation, or a dysfunctional protein product. This variant is rare in the general population with a frequency below the threshold expected for the associated phenotype(s). This variant has been observed in one or more individuals affected with the associated recessive disease, as either homozygous or compound heterozygous with a second variant (PMID: 27896125, 21480867). Functional studies show that this variant may disrupt protein function (PMID: 21480867). Given the available evidence, this variant is classified as Pathogenic.

Labcorp Genetics (formerly Invitae), Labcorp
Classification: Pathogenic for Mucopolysaccharidosis type 1. Last evaluated: 2023-06-17. Review status: criteria provided, single submitter. Criteria: Invitae Variant Classification Sherloc (09022015). Collection method: clinical testing. Allele origin: germline. Not counted in ClinVar's aggregate classification.
Comment: This variant is not present in population databases (gnomAD no frequency). For these reasons, this variant has been classified as Pathogenic. Algorithms developed to predict the effect of sequence changes on RNA splicing suggest that this variant may disrupt the consensus splice site. ClinVar contains an entry for this variant (Variation ID: 1323099). Disruption of this splice site has been observed in individuals with mucopolysaccharidosis type I (PMID: 21480867). This sequence change affects a donor splice site in intron 9 of the IDUA gene. It is expected to disrupt RNA splicing. Variants that disrupt the donor or acceptor splice site typically lead to a loss of protein function (PMID: 16199547), and loss-of-function variants in IDUA are known to be pathogenic (PMID: 11735025, 21480867).

Women's Health and Genetics/Laboratory Corporation of America, LabCorp
Classification: Pathogenic for Mucopolysaccharidosis type 1. Last evaluated: 2022-01-26. Review status: criteria provided, single submitter. Criteria: LabCorp Variant Classification Summary - May 2015. Collection method: clinical testing. Allele origin: germline. Not counted in ClinVar's aggregate classification.
Comment: Variant summary: IDUA c.1402+1G>T is located in a canonical splice-site and is predicted to affect mRNA splicing resulting in a significantly altered protein due to either exon skipping, shortening, or inclusion of intronic material. Several computational tools predict a significant impact on normal splicing: Four predict the variant abolishes a 5 splicing donor site. However, these predictions have yet to be confirmed by functional studies. The variant was absent in 7392 control chromosomes (gnomAD and publication data). c.1402+1G>T has been reported in the literature in individuals affected with Mucopolysaccharidosis Type 1 (Wang_2012, Pineda_2014). These data indicate that the variant is likely to be associated with disease. To our knowledge, no experimental evidence demonstrating an impact on protein function has been reported. No clinical diagnostic laboratories have submitted clinical-significance assessments for this variant to ClinVar after 2014. Based on the evidence outlined above, the variant was classified as pathogenic.

Myriad Genetics, Inc.
Classification: Pathogenic for Mucopolysaccharidosis, MPS-I-H/S. Last evaluated: 2021-11-17. Review status: criteria provided, single submitter. Criteria: Myriad Women's Health Autosomal Recessive and X-Linked Classification Criteria (2021). Collection method: clinical testing. Allele origin: unknown. Not counted in ClinVar's aggregate classification.
Comment: NM_000203.3(IDUA):c.1402+1G>T is a canonical splice variant classified as pathogenic in the context of mucopolysaccharidosis type I. c.1402+1G>T has been observed in cases with relevant disease (PMID: 21480867, 27896125). Functional assessments of this variant are not available in the literature. c.1402+1G>T has not been observed in population frequency databases. In summary, NM_000203.3(IDUA):c.1402+1G>T is a canonical splice variant variant that has been observed more frequently in cases with the relevant disease than in healthy populations. Please note: this variant was assessed in the context of healthy population screening.

Revvity Omics, Revvity
Classification: Pathogenic. Last evaluated: 2021-03-05. Review status: criteria provided, single submitter. Criteria: ACMG Guidelines, 2015. Collection method: clinical testing. Allele origin: germline. Not counted in ClinVar's aggregate classification.

Literature cited by the submitters: PubMed 27896125 (cited by 3 submitters); PubMed 21480867 (cited by 4 submitters); PubMed 16199547 (cited by Labcorp Genetics (formerly Invitae), Labcorp); PubMed 11735025 (cited by Labcorp Genetics (formerly Invitae), Labcorp); PubMed 28676128 (cited by Women's Health and Genetics/Laboratory Corporation of America, LabCorp).